The following is an entry in ClinVar:

ClinVar aggregate classification (germline): Benign/Likely benign. Review status: criteria provided, multiple submitters, no conflicts (2 of 4 stars). 3 submissions from 3 submitters: Benign (1); Likely benign (2). Last evaluated 2023-10-06.

Conditions:
Malignant hyperthermia, susceptibility to, 5 (MHS5). Also called: CACNA1S-Related Malignant Hyperthermia Susceptibility. Identifiers: Orphanet 423, MedGen C1866077, MONDO:0011163, OMIM 601887.
Hypokalemic periodic paralysis, type 1. Also called: Hypokalemic Periodic Paralysis Type 1 (AD); HypoPP. Identifiers: Orphanet 681, MedGen C3714580, MONDO:0042979, OMIM 170400.

Allele frequency attached by ClinVar (database versions not stated): gnomAD exomes 0.00001; ExAC 0.00002; TOPMed 0.00003; gnomAD 0.00007.
gnomAD v4.1: 14 of 1,614,062 alleles (0.00087%); highest among the groups gnomAD compares: African/African-American, 0.019%; no homozygotes.

Submissions (3):

All of Us Research Program, National Institutes of Health
Classification: Likely benign for Malignant hyperthermia, susceptibility to, 5. Last evaluated: 2023-10-06. Review status: criteria provided, single submitter. Criteria: ACMG Guidelines, 2015. Collection method: clinical testing. Allele origin: germline. Inheritance: Autosomal dominant inheritance. Observed: 2 variant alleles, 2 heterozygotes.
Comment: This study involves interpretation of variants in research participants for the purpose of population health screening. Participant phenotype was not available at the time of variant classification. Additional details can be found in publication PMID: 35346344, PMCID: PMC8962531

Labcorp Genetics (formerly Invitae), Labcorp
Classification: Benign for Hypokalemic periodic paralysis, type 1; Malignant hyperthermia, susceptibility to, 5. Last evaluated: 2023-03-03. Review status: criteria provided, single submitter. Criteria: Invitae Variant Classification Sherloc (09022015). Collection method: clinical testing. Allele origin: germline.

Color Diagnostics, LLC DBA Color Health
Classification: Likely benign for Malignant hyperthermia, susceptibility to, 5. Last evaluated: 2022-11-06. Review status: criteria provided, single submitter. Criteria: ACMG Guidelines, 2015. Collection method: clinical testing. Allele origin: germline.

NM_000069.3(CACNA1S):c.3741G>A (p.Leu1247=)

Gene: CACNA1S (calcium voltage-gated channel subunit alpha1 S; minus strand). Cytogenetic location: 1q32.1.
Variant type: single nucleotide variant.
Coding change: c.3741G>A on transcript NM_000069.3 (MANE Select); coding-DNA position 3741, G replaced by A.
Protein change: p.Leu1247=; no amino-acid change (leucine 1247 retained).
Molecular consequence: synonymous variant.
Genome position (GRCh38, 1-based): chr1:201,053,513, C>T on the plus strand (G>A on the coding strand, the complement: CACNA1S is on the minus strand). VCF-style: chr1-201053513-C-T. GRCh37 (hg19) VCF-style: chr1-201022641-C-T.
Identifiers: ClinVar variation 2929077 (VCV002929077.5), dbSNP rs764626621, ClinGen allele CA082789.
Genomic context (GRCh38, chr1:201,053,513, plus strand): 5'-TTGCACCTGGAAGGACTTGATGAACGTCCACAGGAGGGTTCGCACTCCTTCTGCCCGGCT[C>T]AGCAGCTTGATCAGCCTCATGACACGGAACAGGCGGAAGAAGGCGCTGGAGATGCGGGCA-3'
Protein context (NP_000060.2, residues 1237-1257): LFRVMRLIKL[Leu1247=]SRAEGVRTLL